The following is an entry in ClinVar:

ClinVar aggregate classification (germline): Conflicting classifications of pathogenicity. Review status: criteria provided, conflicting classifications (1 of 4 stars). 6 submissions from 6 submitters: Uncertain significance (2); Benign (1); Likely benign (2). 1 of the submissions does not count toward it. Last evaluated 2025-12-26.

Conditions:
DLX3-related disorder. Also called: DLX3-related condition.
Hypomaturation-hypoplastic amelogenesis imperfecta with taurodontism. Also called: Amelogenesis imperfecta, type IV. Identifiers: Orphanet 100034, Orphanet 88661, MedGen C1863012, MONDO:0007093, OMIM 104510. Disease mechanism: loss of function.

Allele frequency attached by ClinVar (database versions not stated): 1000 Genomes Project 30x 0.00016; 1000 Genomes Project 0.00020; gnomAD exomes 0.00132 and 0.00301; gnomAD 0.00174 and 0.00179; TOPMed 0.00182; ESP Exome Variant Server 0.00238; ExAC 0.00103.

Submissions (6):

Labcorp Genetics (formerly Invitae), Labcorp
Classification: Likely benign. Last evaluated: 2025-12-26. Review status: criteria provided, single submitter. Criteria: Invitae Variant Classification Sherloc (09022015). Collection method: clinical testing. Allele origin: germline.

Blueprint Genetics
Classification: Likely benign. Last evaluated: 2024-11-06. Review status: criteria provided, single submitter. Criteria: ACMG Guidelines, 2015. Collection method: clinical testing. Allele origin: germline.

Reference Center For Rare Oral And Dental Diseases, CRMR O-Rares, Hôpitaux Universitaires De Strasbourg
Classification: Uncertain significance for Hypomaturation-hypoplastic amelogenesis imperfecta with taurodontism. Last evaluated: 2023-03-01. Review status: criteria provided, single submitter. Criteria: ACMG Guidelines, 2015. Collection method: clinical testing. Allele origin: inherited. Inheritance: Autosomal dominant inheritance. Affected: yes. Observed: 1 variant allele, 1 heterozygote.

Illumina Laboratory Services, Illumina
Classification: Benign for Hypomaturation-hypoplastic amelogenesis imperfecta with taurodontism. Last evaluated: 2018-01-12. Review status: criteria provided, single submitter. Criteria: ICSL Variant Classification Criteria 13 December 2019. Collection method: clinical testing. Allele origin: germline.
Comment: This variant was observed in the ICSL laboratory as part of a predisposition screen in an ostensibly healthy population. It had not been previously curated by ICSL or reported in the Human Gene Mutation Database (HGMD: prior to June 1st, 2018), and was therefore a candidate for classification through an automated scoring system. Utilizing variant allele frequency, disease prevalence and penetrance estimates, and inheritance mode, an automated score was calculated to assess if this variant is too frequent to cause the disease. Based on the score and internal cut-off values, a variant classified as benign is not then subjected to further curation. The score for this variant resulted in a classification of benign for this disease.

Eurofins Ntd Llc (ga)
Classification: Uncertain significance. Last evaluated: 2016-08-31. Review status: criteria provided, single submitter. Criteria: EGL Classification Definitions 2015. Collection method: clinical testing. Allele origin: germline. Observed: 2 variant alleles, 2 heterozygotes.

PreventionGenetics, part of Exact Sciences
Classification: Likely benign for DLX3-related condition. Last evaluated: 2019-10-22. Review status: no assertion criteria provided. Collection method: clinical testing. Allele origin: germline. Not counted in ClinVar's aggregate classification.
Comment: This variant is classified as likely benign based on ACMG/AMP sequence variant interpretation guidelines (Richards et al. 2015 PMID: 25741868, with internal and published modifications).

NM_005220.3(DLX3):c.710A>G (p.Tyr237Cys)

Gene: DLX3 (distal-less homeobox 3; minus strand). Cytogenetic location: 17q21.33.
Variant type: single nucleotide variant.
Coding change: c.710A>G on transcript NM_005220.3 (MANE Select); coding-DNA position 710, A replaced by G.
Protein change: p.Tyr237Cys; replaces tyrosine 237 with cysteine.
Molecular consequence: missense variant.
Genome position (GRCh38, 1-based): chr17:49,991,671, T>C on the plus strand (A>G on the coding strand, the complement: DLX3 is on the minus strand). VCF-style: chr17-49991671-T-C. GRCh37 (hg19) VCF-style: chr17-48069035-T-C.
Other names: short protein forms Y237C.
Identifiers: ClinVar variation 289857 (VCV000289857.19), dbSNP rs142563930, ClinGen allele CA8640957.